The following is an entry in ClinVar:

ClinVar aggregate classification (germline): Uncertain significance. Review status: criteria provided, multiple submitters, no conflicts (2 of 4 stars). 5 submissions from 5 submitters: Uncertain significance (5). Last evaluated 2025-11-05.

Conditions:
Progressive myoclonic epilepsy type 5. Identifiers: Orphanet 402082, MedGen C5190799.
Progressive myoclonic epilepsy. Also called: Progressive myoclonus epilepsy; Familial progressive myoclonic epilepsy; Myoclonic Epilepsies, Progressive; Myoclonus epilepsy. Identifiers: Orphanet 308, Orphanet 98261, MedGen C0751778, MONDO:0020074.

Allele frequency attached by ClinVar (database versions not stated): gnomAD 0.00013; TOPMed 0.00032; ESP Exome Variant Server 0.00062.
gnomAD v4.1: 561 of 1,613,810 alleles (0.035%); highest among the groups gnomAD compares: Non-Finnish European, 0.045%; no homozygotes.

Submissions (5):

Labcorp Genetics (formerly Invitae), Labcorp
Classification: Uncertain significance for Progressive myoclonic epilepsy type 5. Last evaluated: 2025-11-05. Review status: criteria provided, single submitter. Criteria: Invitae Variant Classification Sherloc (09022015). Collection method: clinical testing. Allele origin: germline.
Comment: This sequence change replaces alanine, which is neutral and non-polar, with serine, which is neutral and polar, at codon 149 of the PRICKLE2 protein (p.Ala149Ser). This variant is present in population databases (rs202025796, gnomAD 0.05%), and has an allele count higher than expected for a pathogenic variant. This variant has not been reported in the literature in individuals affected with PRICKLE2-related conditions. ClinVar contains an entry for this variant (Variation ID: 448122). Invitae Evidence Modeling of protein sequence and biophysical properties (such as structural, functional, and spatial information, amino acid conservation, physicochemical variation, residue mobility, and thermodynamic stability) indicates that this missense variant is not expected to disrupt PRICKLE2 protein function with a negative predictive value of 80%. In summary, the available evidence is currently insufficient to determine the role of this variant in disease. Therefore, it has been classified as a Variant of Uncertain Significance.

Greenwood Genetic Center Diagnostic Laboratories, Greenwood Genetic Center
Classification: Uncertain significance. Last evaluated: 2022-11-07. Review status: criteria provided, single submitter. Criteria: ACMG Guidelines, 2015. Collection method: clinical testing. Allele origin: germline. Affected: yes.
Comment: Gene of Uncertain Significance

Athena Diagnostics
Classification: Uncertain significance. Last evaluated: 2017-06-23. Review status: criteria provided, single submitter. Criteria: Athena Diagnostics Criteria. Collection method: clinical testing. Allele origin: germline.

Illumina Laboratory Services, Illumina
Classification: Uncertain significance for Progressive myoclonic epilepsy. Last evaluated: 2017-04-27. Review status: criteria provided, single submitter. Criteria: ICSL Variant Classification Criteria 13 December 2019. Collection method: clinical testing. Allele origin: germline.

Breakthrough Genomics
Classification: Uncertain significance. Review status: criteria provided, single submitter. Criteria: ACMG Guidelines, 2015. Collection method: not provided. Allele origin: germline. Inheritance: Unknown mechanism. Affected: yes.

NM_198859.4(PRICKLE2):c.445G>T (p.Ala149Ser)

Gene: PRICKLE2 (prickle planar cell polarity protein 2; minus strand). Cytogenetic location: 3p14.1.
Variant type: single nucleotide variant.
Coding change: c.445G>T on transcript NM_198859.4 (MANE Select); coding-DNA position 445, G replaced by T.
Protein change: p.Ala149Ser; replaces alanine 149 with serine.
Molecular consequence: missense variant.
Genome position (GRCh38, 1-based): chr3:64,157,317, C>A on the plus strand (G>T on the coding strand, the complement: PRICKLE2 is on the minus strand). VCF-style: chr3-64157317-C-A. GRCh37 (hg19) VCF-style: chr3-64142993-C-A.
Other names: c.445G>T, p.Ala149Ser (NM_001370528.1); short protein forms A149S.
Identifiers: ClinVar variation 448122 (VCV000448122.17), dbSNP rs202025796, ClinGen allele CA2479813.